The following is an entry in ClinVar:

NM_002473.6(MYH9):c.3100+11G>C

Gene: MYH9 (myosin heavy chain 9; minus strand). Cytogenetic location: 22q12.3.
Variant type: single nucleotide variant.
Coding change: c.3100+11G>C on transcript NM_002473.6 (MANE Select); 11 bases into the intron after coding-DNA position 3100, G replaced by C.
Molecular consequence: intron variant.
Genome position (GRCh38, 1-based): chr22:36,298,908, C>G on the plus strand (G>C on the coding strand, the complement: MYH9 is on the minus strand). VCF-style: chr22-36298908-C-G. GRCh37 (hg19) VCF-style: chr22-36694954-C-G.
Identifiers: ClinVar variation 44556 (VCV000044556.66), dbSNP rs41279999, ClinGen allele CA134522.

ClinVar aggregate classification (germline): Benign. Review status: criteria provided, multiple submitters, no conflicts (2 of 4 stars). 11 submissions from 10 submitters: Benign (9). 2 of the submissions do not count toward it. Last evaluated 2026-02-02.

Conditions:
MYH9-related disorder. Identifiers: MedGen C1854520.
Autosomal dominant nonsyndromic hearing loss 17. Also called: Deafness, autosomal dominant 17; Autosomal dominant nonsyndromic deafness 17. Identifiers: Orphanet 90635, MedGen C1863659, MONDO:0011350, OMIM 603622.

Allele frequency attached by ClinVar (database versions not stated): ESP Exome Variant Server 0.02614; TOPMed 0.02805; gnomAD 0.02869 and 0.03103; gnomAD exomes 0.03239 and 0.03808; ExAC 0.03922; 1000 Genomes Project 30x 0.04966; 1000 Genomes Project 0.05252.

Submissions (11):

Labcorp Genetics (formerly Invitae), Labcorp
Classification: Benign. Last evaluated: 2026-02-02. Review status: criteria provided, single submitter. Criteria: Invitae Variant Classification Sherloc (09022015). Collection method: clinical testing. Allele origin: germline.

ARUP Laboratories, Molecular Genetics and Genomics, ARUP Laboratories
Classification: Benign. Last evaluated: 2025-07-28. Review status: criteria provided, single submitter. Criteria: ARUP Molecular Germline Variant Investigation Process 2024. Collection method: clinical testing. Allele origin: germline.

Blueprint Genetics
Classification: Benign. Last evaluated: 2024-11-28. Review status: criteria provided, single submitter. Criteria: ACMG Guidelines, 2015. Collection method: clinical testing. Allele origin: germline.

GeneDx
Classification: Benign. Last evaluated: 2018-06-29. Review status: criteria provided, single submitter. Criteria: GeneDx Variant Classification Process June 2021. Collection method: clinical testing. Allele origin: germline. Affected: yes.

Illumina Laboratory Services, Illumina
Classification: Benign for MYH9-related disorder. Last evaluated: 2018-01-12. Review status: criteria provided, single submitter. Criteria: ICSL Variant Classification Criteria 13 December 2019. Collection method: clinical testing. Allele origin: germline.
Comment: This variant was observed in the ICSL laboratory as part of a predisposition screen in an ostensibly healthy population. It had not been previously curated by ICSL or reported in the Human Gene Mutation Database (HGMD: prior to June 1st, 2018), and was therefore a candidate for classification through an automated scoring system. Utilizing variant allele frequency, disease prevalence and penetrance estimates, and inheritance mode, an automated score was calculated to assess if this variant is too frequent to cause the disease. Based on the score and internal cut-off values, a variant classified as benign is not then subjected to further curation. The score for this variant resulted in a classification of benign for this disease.

Illumina Laboratory Services, Illumina
Classification: Benign for Autosomal dominant nonsyndromic hearing loss 17. Last evaluated: 2018-01-12. Review status: criteria provided, single submitter. Criteria: ICSL Variant Classification Criteria 13 December 2019. Collection method: clinical testing. Allele origin: germline.
Comment: the same text as in the submission from Illumina Laboratory Services, Illumina above.

Laboratory for Molecular Medicine, Mass General Brigham Personalized Medicine
Classification: Benign. Last evaluated: 2012-05-07. Review status: criteria provided, single submitter. Criteria: LMM Criteria. Collection method: clinical testing. Allele origin: germline. Observed: 90 variant alleles.
Comment: 3100+11G>C in Intron 24 of MYH9: This variant is not expected to have clinical s ignificance because it is not located within the conserved splice consensus sequ ence and has been identified in 3.0% (208/7020) of European American chromosomes from a broad population by the NHLBI Exome Sequencing Project (dbSNP rs41279999).

Breakthrough Genomics
Classification: Benign. Review status: criteria provided, single submitter. Criteria: ACMG Guidelines, 2015. Collection method: not provided. Allele origin: germline. Inheritance: Autosomal dominant inheritance. Affected: yes.

PreventionGenetics, part of Exact Sciences
Classification: Benign. Review status: criteria provided, single submitter. Criteria: ACMG Guidelines, 2015. Collection method: clinical testing. Allele origin: germline.

Genome Diagnostics Laboratory, University Medical Center Utrecht
Classification: Benign. Review status: no assertion criteria provided. Collection method: clinical testing. Allele origin: germline. Affected: yes. Study: VKGL Data-share Consensus. Not counted in ClinVar's aggregate classification.

Joint Genome Diagnostic Labs from Nijmegen and Maastricht, Radboudumc and MUMC+
Classification: Benign. Review status: no assertion criteria provided. Collection method: clinical testing. Allele origin: germline. Affected: yes. Study: VKGL Data-share Consensus. Not counted in ClinVar's aggregate classification.